The following is an entry in ClinVar:

ClinVar aggregate classification (germline): Uncertain significance (1 of 4 stars; one submission).

Submission:

Women's Health and Genetics/Laboratory Corporation of America, LabCorp
Classification: Uncertain significance. Last evaluated: 2024-09-27. Review status: criteria provided, single submitter. Criteria: LabCorp Variant Classification Summary - May 2015. Collection method: clinical testing. Allele origin: germline.
Comment: Variant summary: ERCC5 c.1866G>C (p.Gln622His) results in a non-conservative amino acid change in the encoded protein sequence. Three of five in-silico tools predict a benign effect of the variant on protein function. The variant allele was found at a frequency of 4e-06 in 251292 control chromosomes. The available data on variant occurrences in the general population are insufficient to allow any conclusion about variant significance. To our knowledge, no occurrence of c.1866G>C in individuals affected with Xeroderma Pigmentosum and no experimental evidence demonstrating its impact on protein function have been reported. No submitters have cited clinical-significance assessments for this variant to ClinVar. Based on the evidence outlined above, the variant was classified as uncertain significance.

NM_000123.4(ERCC5):c.1866G>C (p.Gln622His)

Genes: BIVM-ERCC5 (BIVM-ERCC5 readthrough; plus strand), ERCC5 (ERCC excision repair 5, endonuclease; plus strand). Cytogenetic location: 13q33.1.
Variant type: single nucleotide variant.
Coding change: c.1866G>C on transcript NM_000123.4 (MANE Select); coding-DNA position 1866, G replaced by C.
Protein change: p.Gln622His; replaces glutamine 622 with histidine.
Molecular consequence: missense variant.
Genome position (GRCh38, 1-based): chr13:102,863,015, G>C. VCF-style: chr13-102863015-G-C. GRCh37 (hg19) VCF-style: chr13-103515365-G-C.
Other names: c.3228G>C, p.Gln1076His (NM_001204425.2); short protein forms Q1076H, Q622H.
Identifiers: ClinVar variation 3375137 (VCV003375137.1).